The following is an entry in ClinVar:

NM_001134831.2(AHI1):c.3235C>T (p.Arg1079Ter)

Gene: AHI1 (Abelson helper integration site 1; minus strand). Cytogenetic location: 6q23.3.
Variant type: single nucleotide variant.
Coding change: c.3235C>T on transcript NM_001134831.2 (MANE Select); coding-DNA position 3235, C replaced by T.
Protein change: p.Arg1079Ter; replaces arginine 1079 with a stop codon.
Molecular consequence: nonsense.
Genome position (GRCh38, 1-based): chr6:135,323,255, G>A on the plus strand (C>T on the coding strand, the complement: AHI1 is on the minus strand). VCF-style: chr6-135323255-G-A. GRCh37 (hg19) VCF-style: chr6-135644393-G-A.
Other names: c.3235C>T, p.Arg1079Ter (NM_001134830.2, NM_001350503.2, NM_001350504.2 and 1 more transcripts); short protein forms R1079*.
Identifiers: ClinVar variation 1065721 (VCV001065721.17), dbSNP rs761732432, ClinGen allele CA4012062.

ClinVar aggregate classification (germline): Conflicting classifications of pathogenicity. Review status: criteria provided, conflicting classifications (1 of 4 stars). 7 submissions from 7 submitters: Pathogenic (2); Likely pathogenic (4); Uncertain significance (1). Last evaluated 2026-01-09.

Conditions:
Joubert syndrome 3 (JBTS3). Also called: AHI1-related Ciliopathy. Identifiers: Orphanet 220493, MedGen C1837713, MONDO:0012078, OMIM 608629.
Joubert syndrome. Also called: JOUBERT-BOLTSHAUSER SYNDROME; Familial aplasia of the vermis. Identifiers: Orphanet 475, MedGen C5979921, MONDO:0018772.
AHI1-related disorder. Also called: AHI1-related condition.
Rod-cone dystrophy. Identifiers: MedGen C4551714, HP:0000510.

Allele frequency attached by ClinVar (database versions not stated): TOPMed below 0.00001; gnomAD exomes 0.00002; ExAC 0.00003.
gnomAD v4.1: 26 of 1,613,692 alleles (0.0016%); highest among the groups gnomAD compares: East Asian, 0.0022%; no homozygotes.

Submissions (7):

Labcorp Genetics (formerly Invitae), Labcorp
Classification: Pathogenic for Joubert syndrome. Last evaluated: 2026-01-09. Review status: criteria provided, single submitter. Criteria: Invitae Variant Classification Sherloc (09022015). Collection method: clinical testing. Allele origin: germline.
Comment: This sequence change creates a premature translational stop signal (p.Arg1079*) in the AHI1 gene. It is expected to result in an absent or disrupted protein product. Loss-of-function variants in AHI1 are known to be pathogenic (PMID: 15322546, 16453322, 28442542, 29186038). This variant is present in population databases (rs761732432, gnomAD 0.004%). This variant has not been reported in the literature in individuals affected with AHI1-related conditions. ClinVar contains an entry for this variant (Variation ID: 1065721). For these reasons, this variant has been classified as Pathogenic.

CeGaT Center for Human Genetics Tuebingen
Classification: Likely pathogenic. Last evaluated: 2025-05-01. Review status: criteria provided, single submitter. Criteria: CeGaT Center For Human Genetics Tuebingen Variant Classification Criteria Version 2. Collection method: clinical testing. Allele origin: germline. Affected: yes. Observed: 2 variant alleles.
Comment: AHI1: PVS1:Strong, PM2

PreventionGenetics, part of Exact Sciences
Classification: Pathogenic for AHI1-related condition. Last evaluated: 2024-11-15. Review status: criteria provided, single submitter. Criteria: ACMG Guidelines, 2015. Collection method: clinical testing. Allele origin: germline.
Comment: The AHI1 c.3235C>T variant is predicted to result in premature protein termination (p.Arg1079*). This variant was reported, along with a second protein-truncating variant in the same gene, in an individual with retinal disease (supplementary data, Zampaglione et al. 2021. PubMed ID: 34906470). This variant is reported in 0.0044% of alleles in individuals of European (Non-Finnish) descent in gnomAD. Nonsense variants in AHI1 are expected to be pathogenic. This variant is interpreted as pathogenic.

Fulgent Genetics
Classification: Likely pathogenic for Joubert syndrome 3. Last evaluated: 2022-04-14. Review status: criteria provided, single submitter. Criteria: ACMG Guidelines, 2015. Collection method: clinical testing. Allele origin: unknown.

Blueprint Genetics
Classification: Uncertain significance. Last evaluated: 2021-09-07. Review status: criteria provided, single submitter. Criteria: ACMG Guidelines, 2015. Collection method: clinical testing. Allele origin: germline.

Ocular Genomics Institute, Massachusetts Eye and Ear
Classification: Likely pathogenic for Rod-cone dystrophy. Last evaluated: 2021-04-08. Review status: criteria provided, single submitter. Criteria: ACMG Guidelines, 2015. Collection method: research. Allele origin: germline. Affected: yes.
Comment: Through a review of available evidence we were able to apply the following criteria: PM2, PVS1. Based on this evidence we have classified this variant as Likely Pathogenic.

Juno Genomics, Hangzhou Juno Genomics, Inc
Classification: Likely pathogenic for Joubert syndrome 3. Review status: criteria provided, single submitter. Criteria: ACMG Guidelines, 2015. Collection method: clinical testing. Allele origin: germline.
Comment: Absent from controls (or at extremely low frequency if recessive) in Genome Aggregation Database.;Null variant in a gene where loss of function (LOF) is a known mechanism of disease.

Literature cited by the submitters: PubMed 15322546 (cited by Labcorp Genetics (formerly Invitae), Labcorp); PubMed 16453322 (cited by Labcorp Genetics (formerly Invitae), Labcorp); PubMed 28442542 (cited by Labcorp Genetics (formerly Invitae), Labcorp); PubMed 29186038 (cited by Labcorp Genetics (formerly Invitae), Labcorp).